The following is an entry in ClinVar:

NM_000548.5(TSC2):c.4046_4047del (p.Ala1349fs)

Gene: TSC2 (TSC complex subunit 2; plus strand). Cytogenetic location: 16p13.3.
Variant type: Microsatellite.
Coding change: c.4046_4047del on transcript NM_000548.5 (MANE Select); coding-DNA positions 4046 to 4047, 2 bases deleted (CG; older notation c.4046_4047delCG).
Protein change: p.Ala1349fs; shifts the reading frame from alanine 1349.
Molecular consequence: frameshift variant. On other transcripts: non-coding transcript variant (5).
Genome position (GRCh38, 1-based): chr16:2,084,268-2,084,269, CG deleted; deleting any 2 consecutive bases within chr16:2,084,266-2,084,269 gives the same sequence; the c. name uses the placement nearest the transcript's 3' end. VCF-style (leftmost placement, unchanged base first): chr16-2084265-ACG-A. GRCh37 (hg19) VCF-style: chr16-2134266-ACG-A.
Other names: c.3446_3447del, p.Ala1149fs (NM_001406680.1); c.3386_3387del, p.Ala1129fs (NM_001406681.1); c.3377_3378del, p.Ala1126fs (NM_001406682.1, NM_001406683.1); c.3374_3375del, p.Ala1125fs (NM_001406684.1); c.3248_3249del, p.Ala1083fs (NM_001406685.1, NM_001406686.1); c.3245_3246del, p.Ala1082fs (NM_001406687.1, NM_001406688.1); c.2633_2634del, p.Ala878fs (NM_001406689.1); c.3917_3918del, p.Ala1306fs (NM_021055.3, NM_001370405.1); and 26 more; short protein forms A1082fs, A1083fs, A1105fs, A1125fs, A1126fs, A1129fs, A1149fs, A1233fs.
Identifiers: ClinVar variation 4530249 (VCV004530249.1).
Genomic context (GRCh38, chr16:2,084,265, plus strand): 5'-CTCTTTGGGATGGTCCTTTCTAGTCGTCCTCAGTCTCCAGCCAGGAGGAGAAGTCGCTCC[ACG>A]CGGAGGAGCTGGTTGGCAGGGGCATCCCCATCGAGCGAGTCGTCTCCTCGGAGGGTGGCC-3'

ClinVar aggregate classification (somatic clinical impact): Tier I - Strong (1 of 4 stars; one submission).

Conditions:
Subependymal giant-cell astrocytoma (SEGA). Identifiers: Orphanet 251618, MedGen C0205768, MONDO:0016693, HP:0009718.

Submission:

Institute for Genomic Medicine (IGM) Clinical Laboratory, Nationwide Children's Hospital
Classification: Tier I - Strong for Subependymal giant-cell astrocytoma. Assertion type: diagnostic. Clinical significance: supports diagnosis. Last evaluated: 2025-10-29. Review status: criteria provided, single submitter. Criteria: AMP/ASCO/CAP Guidelines, 2017. Collection method: clinical testing. Allele origin: somatic. Affected: yes.
Comment: Variant has Tier I (strong) clinical significance as a diagnostic inclusion criterion in subependymal giant cell astrocytoma, based on the following evidence: 1) Appears in one or more well-established professional guidelines (e.g., World Health Organization [WHO]; National Comprehensive Cancer Network [NCCN]) as providing diagnostic, prognostic, or therapeutic information. 2) Information in the literature supports potential biologic effect of variant. 3) Diagnostic for a specific tumor type/classification according to professional guidelines (Evidence Level A; PMIDs: 29221145, 16237225, 9403714, 9007104, 33051600, 27625244, 32103336).

Literature cited by the submitters: PubMed 29221145; PubMed 16237225; PubMed 9403714; PubMed 9007104; PubMed 33051600; PubMed 27625244; PubMed 32103336.